The following is an entry in ClinVar:

NM_004991.4(MECOM):c.2525C>G (p.Ala842Gly)

Gene: MECOM (MDS1 and EVI1 complex locus; minus strand). Cytogenetic location: 3q26.2.
Variant type: single nucleotide variant.
Coding change: c.2525C>G on transcript NM_004991.4 (MANE Select); coding-DNA position 2525, C replaced by G.
Protein change: p.Ala842Gly; replaces alanine 842 with glycine.
Molecular consequence: missense variant.
Genome position (GRCh38, 1-based): chr3:169,112,839, G>C on the plus strand (C>G on the coding strand, the complement: MECOM is on the minus strand). VCF-style: chr3-169112839-G-C. GRCh37 (hg19) VCF-style: chr3-168830627-G-C.
Other names: c.2156C>G, p.Ala719Gly (NM_001105077.4); c.1961C>G, p.Ala654Gly (NM_001105078.4, NM_001164000.2, NM_001205194.2 and 4 more transcripts); c.1964C>G, p.Ala655Gly (NM_001163999.2, NM_001366467.2, NM_001366468.2 and 1 more transcripts); c.2525C>G, p.Ala842Gly (NM_001366466.2); c.1553C>G, p.Ala518Gly (NM_001366473.2); c.989C>G, p.Ala330Gly (NM_001366474.2); short protein forms A654G, A719G, A842G, A518G, A330G, A655G.
Identifiers: ClinVar variation 3871601 (VCV003871601.1).
Genomic context (GRCh38, chr3:169,112,839, plus strand): 5'-ATACTTACTTGTGGGTGAAACAAGAATCCTGGAGAAGGCCTCAAGTATTTCTCTTTTAAA[G>C]CTTCAAGTGGGTCAGTTAGTTTTCTTTTCTCTACTCTGAAAGGTTAAAATTAGATTTTGG-3'
Protein context (NP_004982.2, residues 832-852): EKRKLTDPLE[Ala842Gly]LKEKYLRPSP

ClinVar aggregate classification (germline): Uncertain significance (1 of 4 stars; one submission).

Conditions:
Inborn genetic diseases. Identifiers: MedGen C0950123, MeSH D030342.

gnomAD v4.1: 1 of 1,612,904 alleles (0.000062%); highest among the groups gnomAD compares: Non-Finnish European, 0.000085%; no homozygotes.

Submission:

Ambry Genetics
Classification: Uncertain significance for Inborn genetic diseases. Last evaluated: 2024-12-14. Review status: criteria provided, single submitter. Criteria: Ambry Variant Classification Scheme 2023. Collection method: clinical testing. Allele origin: germline.
Comment: The p.A842G variant (also known as c.2525C>G), located in coding exon 9 of the MECOM gene, results from a C to G substitution at nucleotide position 2525. The alanine at codon 842 is replaced by glycine, an amino acid with similar properties. This amino acid position is conserved. In addition, this alteration is predicted to be tolerated by in silico analysis. Based on the available evidence, the clinical significance of this variant remains unclear.